The following is an entry in ClinVar:

NM_024408.4(NOTCH2):c.2993A>G (p.Asn998Ser)

Gene: NOTCH2 (notch receptor 2; minus strand). Cytogenetic location: 1p12.
Variant type: single nucleotide variant.
Coding change: c.2993A>G on transcript NM_024408.4 (MANE Select); coding-DNA position 2993, A replaced by G.
Protein change: p.Asn998Ser; replaces asparagine 998 with serine.
Molecular consequence: missense variant.
Genome position (GRCh38, 1-based): chr1:119,940,745, T>C on the plus strand (A>G on the coding strand, the complement: NOTCH2 is on the minus strand). VCF-style: chr1-119940745-T-C. GRCh37 (hg19) VCF-style: chr1-120483368-T-C.
Other names: c.2993A>G, p.Asn998Ser (NM_001200001.2); short protein forms N998S.
Identifiers: ClinVar variation 1304236 (VCV001304236.9), dbSNP rs782277113, ClinGen allele CA1040157.

ClinVar aggregate classification (germline): Uncertain significance. Review status: criteria provided, multiple submitters, no conflicts (2 of 4 stars). 4 submissions from 4 submitters: Uncertain significance (4). Last evaluated 2026-01-16.

Conditions:
Hajdu-Cheney syndrome (HJCYS). Also called: ACROOSTEOLYSIS WITH OSTEOPOROSIS AND CHANGES IN SKULL AND MANDIBLE; SERPENTINE FIBULA-POLYCYSTIC KIDNEY SYNDROME; Acroosteolysis dominant type. Identifiers: Orphanet 955, MedGen C0917715, MONDO:0007057, OMIM 102500.
Alagille syndrome due to a NOTCH2 point mutation. Also called: Alagille syndrome 2. Identifiers: Orphanet 261629, Orphanet 52, MedGen C1857761, MONDO:0012439, OMIM 610205.
NOTCH2-related disorder. Also called: NOTCH2-related condition.

Allele frequency attached by ClinVar (database versions not stated): gnomAD 0.00002 and 0.00001; TOPMed 0.00001.
gnomAD v4.1: 64 of 1,614,010 alleles (0.004%); highest among the groups gnomAD compares: South Asian, 0.0088%; no homozygotes.

Submissions (4):

Labcorp Genetics (formerly Invitae), Labcorp
Classification: Uncertain significance for Hajdu-Cheney syndrome. Last evaluated: 2026-01-16. Review status: criteria provided, single submitter. Criteria: Invitae Variant Classification Sherloc (09022015). Collection method: clinical testing. Allele origin: germline.
Comment: This sequence change replaces asparagine, which is neutral and polar, with serine, which is neutral and polar, at codon 998 of the NOTCH2 protein (p.Asn998Ser). This variant is present in population databases (rs782277113, gnomAD 0.003%). This variant has not been reported in the literature in individuals affected with NOTCH2-related conditions. ClinVar contains an entry for this variant (Variation ID: 1304236). Invitae Evidence Modeling of protein sequence and biophysical properties (such as structural, functional, and spatial information, amino acid conservation, physicochemical variation, residue mobility, and thermodynamic stability) has been performed for this missense variant. However, the output from this modeling did not meet the statistical confidence thresholds required to predict the impact of this variant on NOTCH2 protein function. In summary, the available evidence is currently insufficient to determine the role of this variant in disease. Therefore, it has been classified as a Variant of Uncertain Significance.

GeneDx
Classification: Uncertain significance. Last evaluated: 2025-11-24. Review status: criteria provided, single submitter. Criteria: GeneDx Variant Classification Process June 2021. Collection method: clinical testing. Allele origin: germline. Affected: yes.
Comment: In silico analysis supports that this missense variant has a deleterious effect on protein structure/function; Has not been previously published as pathogenic or benign to our knowledge

PreventionGenetics, part of Exact Sciences
Classification: Uncertain significance for NOTCH2-related condition. Last evaluated: 2025-05-08. Review status: criteria provided, single submitter. Criteria: ACMG Guidelines, 2015. Collection method: clinical testing. Allele origin: germline.
Comment: The NOTCH2 c.2993A>G variant is predicted to result in the amino acid substitution p.Asn998Ser. To our knowledge, this variant has not been reported in the literature. This variant is reported in 0.0033% of alleles in individuals of South Asian descent in gnomAD. At this time, the clinical significance of this variant is uncertain due to the absence of conclusive functional and genetic evidence.

Fulgent Genetics
Classification: Uncertain significance for Hajdu-Cheney syndrome; Alagille syndrome due to a NOTCH2 point mutation. Last evaluated: 2024-06-17. Review status: criteria provided, single submitter. Criteria: ACMG Guidelines, 2015. Collection method: clinical testing. Allele origin: germline.